The following is an entry in ClinVar:

ClinVar aggregate classification (germline): Uncertain significance. Review status: criteria provided, multiple submitters, no conflicts (2 of 4 stars). 3 submissions from 3 submitters: Uncertain significance (3). Last evaluated 2021-12-29.

Conditions:
Autoinflammatory syndrome. Identifiers: Orphanet 93665, MedGen C3890737, MONDO:0019751.
Chédiak-Higashi syndrome (CHS). Also called: Chediak-Higashi Syndrome. Identifiers: Orphanet 167, MedGen C0007965, MONDO:0008963, OMIM 214500.

Allele frequency attached by ClinVar (database versions not stated): gnomAD 0.00001; gnomAD exomes 0.00001.
gnomAD v4.1: 9 of 1,608,776 alleles (0.00056%); highest among the groups gnomAD compares: Non-Finnish European, 0.0006%; no homozygotes.

Submissions (3):

Blueprint Genetics
Classification: Uncertain significance. Last evaluated: 2021-12-29. Review status: criteria provided, single submitter. Criteria: ACMG Guidelines, 2015. Collection method: clinical testing. Allele origin: germline.

Labcorp Genetics (formerly Invitae), Labcorp
Classification: Uncertain significance for Chédiak-Higashi syndrome. Last evaluated: 2021-08-28. Review status: criteria provided, single submitter. Criteria: Invitae Variant Classification Sherloc (09022015). Collection method: clinical testing. Allele origin: germline.
Comment: This sequence change replaces isoleucine with valine at codon 1379 of the LYST protein (p.Ile1379Val). The isoleucine residue is moderately conserved and there is a small physicochemical difference between isoleucine and valine. This variant is not present in population databases (ExAC no frequency). This variant has not been reported in the literature in individuals affected with LYST-related conditions. Algorithms developed to predict the effect of missense changes on protein structure and function (SIFT, PolyPhen-2, Align-GVGD) all suggest that this variant is likely to be tolerated. In summary, the available evidence is currently insufficient to determine the role of this variant in disease. Therefore, it has been classified as a Variant of Uncertain Significance.

Genome Diagnostics Laboratory, The Hospital for Sick Children
Classification: Uncertain significance for Autoinflammatory syndrome. Last evaluated: 2017-03-08. Review status: criteria provided, single submitter. Criteria: ACMG Guidelines, 2015. Collection method: clinical testing. Allele origin: germline. Affected: yes.

NM_000081.4(LYST):c.4135A>G (p.Ile1379Val)

Gene: LYST (lysosomal trafficking regulator; minus strand). Cytogenetic location: 1q42.3.
Variant type: single nucleotide variant.
Coding change: c.4135A>G on transcript NM_000081.4 (MANE Select); coding-DNA position 4135, A replaced by G.
Protein change: p.Ile1379Val; replaces isoleucine 1379 with valine.
Molecular consequence: missense variant.
Genome position (GRCh38, 1-based): chr1:235,792,107, T>C on the plus strand (A>G on the coding strand, the complement: LYST is on the minus strand). VCF-style: chr1-235792107-T-C. GRCh37 (hg19) VCF-style: chr1-235955407-T-C.
Other names: c.4135A>G, p.Ile1379Val (NM_001301365.1); short protein forms I1379V.
Identifiers: ClinVar variation 525162 (VCV000525162.10), dbSNP rs1178179147, ClinGen allele CA344960557.
Genomic context (GRCh38, chr1:235,792,107, plus strand): 5'-AAGGGAAGGTTAGATACTGTGAAGGGCTCATAGTAGTATCACTTTCAATAATTTTCAGAA[T>C]ACCCAGAAGAAGAATTTTCTAGAGAAAAAGAAAAACAAATGAAACTTTCTAATCACGTAA-3'
Protein context (NP_000072.2, residues 1369-1389): SPCTKILLLG[Ile1379Val]LKIIESDTTM